The following is an entry in ClinVar:

ClinVar aggregate classification (germline): Uncertain significance (1 of 4 stars; one submission).

Conditions:
FAT1-related disorder. Also called: FAT1-related condition.

Allele frequency attached by ClinVar (database versions not stated): ExAC 0.00001; gnomAD exomes 0.00001; TOPMed 0.00002; gnomAD 0.00005.
gnomAD v4.1: 26 of 1,611,946 alleles (0.0016%); highest among the groups gnomAD compares: Admixed American, 0.012%; 1 homozygote.

Submission:

PreventionGenetics, part of Exact Sciences
Classification: Uncertain significance for FAT1-related condition. Last evaluated: 2023-02-07. Review status: criteria provided, single submitter. Criteria: ACMG Guidelines, 2015. Collection method: clinical testing. Allele origin: germline.
Comment: The FAT1 c.11494A>G variant is predicted to result in the amino acid substitution p.Met3832Val. To our knowledge, this variant has not been reported in the literature. This variant is reported in 0.0029% of alleles in individuals of Latino descent in gnomAD. At this time, the clinical significance of this variant is uncertain due to the absence of conclusive functional and genetic evidence.

NM_005245.4(FAT1):c.11494A>G (p.Met3832Val)

Gene: FAT1 (FAT atypical cadherin 1; minus strand). Cytogenetic location: 4q35.2.
Variant type: single nucleotide variant.
Coding change: c.11494A>G on transcript NM_005245.4 (MANE Select); coding-DNA position 11494, A replaced by G.
Protein change: p.Met3832Val; replaces methionine 3832 with valine.
Molecular consequence: missense variant.
Genome position (GRCh38, 1-based): chr4:186,601,415, T>C on the plus strand (A>G on the coding strand, the complement: FAT1 is on the minus strand). VCF-style: chr4-186601415-T-C. GRCh37 (hg19) VCF-style: chr4-187522569-T-C.
Other names: short protein forms M3832V.
Identifiers: ClinVar variation 2635047 (VCV002635047.1), dbSNP rs749856281, ClinGen allele CA3165078.